The following is an entry in ClinVar:

NM_000360.4(TH):c.314C>T (p.Thr105Met)

Gene: TH (tyrosine hydroxylase; minus strand). Cytogenetic location: 11p15.5.
Variant type: single nucleotide variant.
Coding change: c.314C>T on transcript NM_000360.4 (MANE Select); coding-DNA position 314, C replaced by T.
Protein change: p.Thr105Met; replaces threonine 105 with methionine.
Molecular consequence: missense variant.
Genome position (GRCh38, 1-based): chr11:2,168,664, G>A on the plus strand (C>T on the coding strand, the complement: TH is on the minus strand). VCF-style: chr11-2168664-G-A. GRCh37 (hg19) VCF-style: chr11-2189894-G-A.
Other names: c.407C>T, p.Thr136Met (NM_199292.3); c.395C>T, p.Thr132Met (NM_199293.3); short protein forms T105M, T132M, T136M.
Identifiers: ClinVar variation 2149457 (VCV002149457.1), dbSNP rs901248173, ClinGen allele CA216287904.

ClinVar aggregate classification (germline): Uncertain significance (1 of 4 stars; one submission).

Conditions:
TH-deficient dopa-responsive dystonia. Also called: Tyrosine Hydroxylase-Deficient Dopa-Responsive Dystonia; Segawa syndrome, autosomal recessive; DYT-TH. Identifiers: Orphanet 101150, MedGen C2673535, MONDO:0011551, OMIM 605407.

Allele frequency attached by ClinVar (database versions not stated): TOPMed below 0.00001.
gnomAD v4.1: 16 of 1,445,224 alleles (0.0011%); highest among the groups gnomAD compares: Non-Finnish European, 0.0012%; no homozygotes.

Submission:

Labcorp Genetics (formerly Invitae), Labcorp
Classification: Uncertain significance for TH-deficient dopa-responsive dystonia. Last evaluated: 2021-08-28. Review status: criteria provided, single submitter. Criteria: Invitae Variant Classification Sherloc (09022015). Collection method: clinical testing. Allele origin: germline.
Comment: This sequence change replaces threonine with methionine at codon 136 of the TH protein (p.Thr136Met). The threonine residue is highly conserved and there is a moderate physicochemical difference between threonine and methionine. This variant is not present in population databases (ExAC no frequency). This variant has not been reported in the literature in individuals affected with TH-related conditions. Algorithms developed to predict the effect of missense changes on protein structure and function are either unavailable or do not agree on the potential impact of this missense change (SIFT: "Deleterious"; PolyPhen-2: "Benign"; Align-GVGD: "Class C65"). In summary, the available evidence is currently insufficient to determine the role of this variant in disease. Therefore, it has been classified as a Variant of Uncertain Significance.